The following is an entry in ClinVar:

NM_004114.5(FGF13):c.227G>A (p.Arg76Gln)

Gene: FGF13 (fibroblast growth factor 13; minus strand). Cytogenetic location: Xq26.3.
Variant type: single nucleotide variant.
Coding change: c.227G>A on transcript NM_004114.5 (MANE Select); coding-DNA position 227, G replaced by A.
Protein change: p.Arg76Gln; replaces arginine 76 with glutamine.
Molecular consequence: missense variant.
Genome position (GRCh38, 1-based): chrX:138,708,889, C>T on the plus strand (G>A on the coding strand, the complement: FGF13 is on the minus strand). VCF-style: chrX-138708889-C-T. GRCh37 (hg19) VCF-style: chrX-137791051-C-T.
Other names: c.89G>A, p.Arg30Gln (NM_001139498.2); c.257G>A, p.Arg86Gln (NM_001139500.2); c.170G>A, p.Arg57Gln (NM_001139501.2, NM_001139502.2); c.68G>A, p.Arg23Gln (NM_033642.3); short protein forms R23Q, R86Q, R30Q, R57Q, R76Q.
Identifiers: ClinVar variation 3572838 (VCV003572838.2).

ClinVar aggregate classification (germline): Uncertain significance (1 of 4 stars; one submission).

gnomAD v4.1: 1 of 1,208,113 alleles (0.000083%); highest among the groups gnomAD compares: Non-Finnish European, 0.00011%; no homozygotes.

Submission:

GeneDx
Classification: Uncertain significance. Last evaluated: 2025-06-02. Review status: criteria provided, single submitter. Criteria: GeneDx Variant Classification Process June 2021. Collection method: clinical testing. Allele origin: germline.
Comment: Not observed at significant frequency in large population cohorts (gnomAD); In silico analysis supports that this missense variant has a deleterious effect on protein structure/function; Has not been previously published as pathogenic or benign to our knowledge